The following is an entry in ClinVar:

NM_003235.5(TG):c.5907G>A (p.Pro1969=)

Gene: TG (thyroglobulin; plus strand). Cytogenetic location: 8q24.22.
Variant type: single nucleotide variant.
Coding change: c.5907G>A on transcript NM_003235.5 (MANE Select); coding-DNA position 5907, G replaced by A.
Protein change: p.Pro1969=; no amino-acid change (proline 1969 retained).
Molecular consequence: synonymous variant.
Genome position (GRCh38, 1-based): chr8:132,969,501, G>A. VCF-style: chr8-132969501-G-A. GRCh37 (hg19) VCF-style: chr8-133981746-G-A.
Identifiers: ClinVar variation 361980 (VCV000361980.11), dbSNP rs17693031, ClinGen allele CA4884676.
Genomic context (GRCh38, chr8:132,969,501, plus strand): 5'-TTTCTTCCTCTATGAAGTTATACTGGAAGATAAAGTGAAGAACTTTTACACTCGCCTGCC[G>A]TTCCAAAAACTGATGGGGATATCCATTAGAAATAAAGTGCCCATGTCTGAAAAATCTATT-3'
Protein context (NP_003226.4, residues 1959-1979): DKVKNFYTRL[Pro1969=]FQKLMGISIR

ClinVar aggregate classification (germline): Benign/Likely benign. Review status: criteria provided, multiple submitters, no conflicts (2 of 4 stars). 5 submissions from 5 submitters: Benign (2); Likely benign (3). Last evaluated 2026-05-11.

Conditions:
Iodotyrosyl coupling defect (TDH3). Also called: HYPOTHYROIDISM, CONGENITAL, DUE TO DYSHORMONOGENESIS, 3; THYROID HORMONOGENESIS, GENETIC DEFECT IN, 3. Identifiers: Orphanet 95716, MedGen C0342194, MONDO:0010135, OMIM 274700.

Allele frequency attached by ClinVar (database versions not stated): 1000 Genomes Project 30x 0.01936; 1000 Genomes Project 0.01957; TOPMed 0.02976; ESP Exome Variant Server 0.03229; ExAC 0.03712; gnomAD 0.03986; gnomAD exomes 0.04032.
gnomAD v4.1: 63,462 of 1,612,978 alleles (3.9%); highest among the groups gnomAD compares: Non-Finnish European, 4.4%; 1,515 homozygotes.

Submissions (5):

Women's Health and Genetics/Laboratory Corporation of America, LabCorp
Classification: Benign. Last evaluated: 2026-05-11. Review status: criteria provided, single submitter. Criteria: LabCorp Variant Classification Summary - May 2015. Collection method: clinical testing. Allele origin: germline.

Labcorp Genetics (formerly Invitae), Labcorp
Classification: Benign. Last evaluated: 2026-02-04. Review status: criteria provided, single submitter. Criteria: Invitae Variant Classification Sherloc (09022015). Collection method: clinical testing. Allele origin: germline.

Blueprint Genetics
Classification: Likely benign. Last evaluated: 2024-11-27. Review status: criteria provided, single submitter. Criteria: ACMG Guidelines, 2015. Collection method: clinical testing. Allele origin: germline.

Illumina Laboratory Services, Illumina
Classification: Likely benign for Iodotyrosyl coupling defect. Last evaluated: 2018-01-13. Review status: criteria provided, single submitter. Criteria: ICSL Variant Classification Criteria 13 December 2019. Collection method: clinical testing. Allele origin: germline.
Comment: This variant was observed in the ICSL laboratory as part of a predisposition screen in an ostensibly healthy population. It had not been previously curated by ICSL or reported in the Human Gene Mutation Database (HGMD: prior to June 1st, 2018), and was therefore a candidate for classification through an automated scoring system. Utilizing variant allele frequency, disease prevalence and penetrance estimates, and inheritance mode, an automated score was calculated to assess if this variant is too frequent to cause the disease. Based on the score and internal cut-off values, a variant classified as likely benign is not then subjected to further curation. The score for this variant resulted in a classification of likely benign for this disease.

Breakthrough Genomics
Classification: Likely benign. Review status: criteria provided, single submitter. Criteria: ACMG Guidelines, 2015. Collection method: not provided. Allele origin: germline. Inheritance: Autosomal recessive inheritance. Affected: yes.